The following is an entry in ClinVar:

ClinVar aggregate classification (germline): Likely benign (1 of 4 stars; one submission).

Allele frequency attached by ClinVar (database versions not stated): gnomAD exomes 0.00105; 1000 Genomes Project 0.00759; gnomAD 0.00780 and 0.00850; 1000 Genomes Project 30x 0.00843; TOPMed 0.00885.
gnomAD v4.1: 1,681 of 596,868 alleles (0.28%); highest among the groups gnomAD compares: African/African-American, 2.7%; 22 homozygotes.

Submission:

GeneDx
Classification: Likely benign. Last evaluated: 2018-06-14. Review status: criteria provided, single submitter. Criteria: GeneDx Variant Classification (06012015). Collection method: clinical testing. Allele origin: germline. Affected: yes.
Comment: This variant is considered likely benign or benign based on one or more of the following criteria: it is a conservative change, it occurs at a poorly conserved position in the protein, it is predicted to be benign by multiple in silico algorithms, and/or has population frequency not consistent with disease.

NM_018136.5(ASPM):c.9084+131G>A

Gene: ASPM (assembly factor for spindle microtubules; minus strand). Cytogenetic location: 1q31.3.
Variant type: single nucleotide variant.
Coding change: c.9084+131G>A on transcript NM_018136.5 (MANE Select); 131 bases into the intron after coding-DNA position 9084, G replaced by A.
Molecular consequence: intron variant.
Genome position (GRCh38, 1-based): chr1:197,093,953, C>T on the plus strand (G>A on the coding strand, the complement: ASPM is on the minus strand). VCF-style: chr1-197093953-C-T. GRCh37 (hg19) VCF-style: chr1-197063083-C-T.
Other names: c.4329+131G>A (NM_001206846.2).
Identifiers: ClinVar variation 678391 (VCV000678391.1), dbSNP rs114361901, ClinGen allele CA35863930.